The following is an entry in ClinVar:

NM_015346.4(ZFYVE26):c.1038G>A (p.Leu346=)

Gene: ZFYVE26 (zinc finger FYVE-type containing 26; minus strand). Cytogenetic location: 14q24.1.
Variant type: single nucleotide variant.
Coding change: c.1038G>A on transcript NM_015346.4 (MANE Select); coding-DNA position 1038, G replaced by A.
Protein change: p.Leu346=; no amino-acid change (leucine 346 retained).
Molecular consequence: synonymous variant.
Genome position (GRCh38, 1-based): chr14:67,805,598, C>T on the plus strand (G>A on the coding strand, the complement: ZFYVE26 is on the minus strand). VCF-style: chr14-67805598-C-T. GRCh37 (hg19) VCF-style: chr14-68272315-C-T.
Identifiers: ClinVar variation 4851767 (VCV004851767.1).

ClinVar aggregate classification (germline): Uncertain significance (1 of 4 stars; one submission).

Submission:

Greenwood Genetic Center Diagnostic Laboratories, Greenwood Genetic Center
Classification: Uncertain significance. Last evaluated: 2025-01-22. Review status: criteria provided, single submitter. Criteria: ACMG Guidelines, 2015. Collection method: clinical testing. Allele origin: germline.
Comment: PM2